The following is an entry in ClinVar:

NM_058216.3(RAD51C):c.383G>T (p.Gly128Val)

Gene: RAD51C (RAD51 paralog C; plus strand). Cytogenetic location: 17q22.
Variant type: single nucleotide variant.
Coding change: c.383G>T on transcript NM_058216.3 (MANE Select); coding-DNA position 383, G replaced by T.
Protein change: p.Gly128Val; replaces glycine 128 with valine.
Molecular consequence: missense variant. On other transcripts: non-coding transcript variant (2).
Genome position (GRCh38, 1-based): chr17:58,695,168, G>T. VCF-style: chr17-58695168-G-T. GRCh37 (hg19) VCF-style: chr17-56772529-G-T.
Other names: c.383G>T, p.Gly128Val (NM_002876.4, NM_058217.1); short protein forms G128V.
Identifiers: ClinVar variation 2708888 (VCV002708888.4), dbSNP rs1555593874, ClinGen allele CA400341932.
Genomic context (GRCh38, chr17:58,695,168, plus strand): 5'-ATGATATTCTTGGGGGTGGAGTGCCCTTAATGAAAACAACAGAAATTTGTGGTGCACCAG[G>T]TGTTGGAAAAACACAATTATGGTAAAATAAAGTGTTCTCCTTTTAAGGGTGGGTTTAATA-3'
Protein context (NP_478123.1, residues 118-138): MKTTEICGAP[Gly128Val]VGKTQLCMQL

ClinVar aggregate classification (germline): Uncertain significance. Review status: criteria provided, multiple submitters, no conflicts (2 of 4 stars). 2 submissions from 2 submitters: Uncertain significance (2). Last evaluated 2024-01-23.

Conditions:
Fanconi anemia complementation group O. Also called: RAD51C-Related Fanconi Anemia. Identifiers: Orphanet 84, MedGen C3150653, MONDO:0013248, OMIM 613390.
Breast-ovarian cancer, familial, susceptibility to, 3. Also called: RAD51C-Related Breast/Ovarian Cancer. Identifiers: Orphanet 145, MedGen C3150659, MONDO:0013253, OMIM 613399.

Submissions (2):

Baylor Genetics
Classification: Uncertain significance for Breast-ovarian cancer, familial, susceptibility to, 3. Last evaluated: 2024-01-23. Review status: criteria provided, single submitter. Criteria: ACMG Guidelines, 2015. Collection method: clinical testing. Allele origin: unknown.

Labcorp Genetics (formerly Invitae), Labcorp
Classification: Uncertain significance for Fanconi anemia complementation group O. Last evaluated: 2024-01-11. Review status: criteria provided, single submitter. Criteria: Invitae Variant Classification Sherloc (09022015). Collection method: clinical testing. Allele origin: germline.
Comment: This sequence change replaces glycine, which is neutral and non-polar, with valine, which is neutral and non-polar, at codon 128 of the RAD51C protein (p.Gly128Val). This variant is not present in population databases (gnomAD no frequency). This variant has not been reported in the literature in individuals affected with RAD51C-related conditions. Advanced modeling of protein sequence and biophysical properties (such as structural, functional, and spatial information, amino acid conservation, physicochemical variation, residue mobility, and thermodynamic stability) performed at Invitae indicates that this missense variant is expected to disrupt RAD51C protein function with a positive predictive value of 80%. In summary, the available evidence is currently insufficient to determine the role of this variant in disease. Therefore, it has been classified as a Variant of Uncertain Significance.